The following is an entry in ClinVar:

ClinVar aggregate classification (germline): Uncertain significance. Review status: criteria provided, single submitter (1 of 4 stars). 2 submissions from 2 submitters: Uncertain significance (1). 1 of the submissions does not count toward it. Last evaluated 2022-09-27.

Conditions:
Sulfite oxidase deficiency due to molybdenum cofactor deficiency type C. Also called: Molybdenum cofactor deficiency, complementation group C; Molybdenum cofactor deficiency C. Identifiers: Orphanet 308400, Orphanet 833, MedGen C1854990, MONDO:0014212, OMIM 615501.

Allele frequency attached by ClinVar (database versions not stated): gnomAD exomes below 0.00001 and 0.00001; TOPMed below 0.00001.
gnomAD v4.1: 5 of 1,564,236 alleles (0.00032%); highest among the groups gnomAD compares: Admixed American, 0.0033%; no homozygotes.

Submissions (2):

Labcorp Genetics (formerly Invitae), Labcorp
Classification: Uncertain significance for Sulfite oxidase deficiency due to molybdenum cofactor deficiency type C. Last evaluated: 2022-09-27. Review status: criteria provided, single submitter. Criteria: Invitae Variant Classification Sherloc (09022015). Collection method: clinical testing. Allele origin: germline.
Comment: This sequence change replaces glutamic acid, which is acidic and polar, with lysine, which is basic and polar, at codon 611 of the GPHN protein (p.Glu611Lys). This variant is present in population databases (no rsID available, gnomAD 0.006%). This variant has not been reported in the literature in individuals affected with GPHN-related conditions. ClinVar contains an entry for this variant (Variation ID: 417881). Advanced modeling of protein sequence and biophysical properties (such as structural, functional, and spatial information, amino acid conservation, physicochemical variation, residue mobility, and thermodynamic stability) performed at Invitae indicates that this missense variant is expected to disrupt GPHN protein function. In summary, the available evidence is currently insufficient to determine the role of this variant in disease. Therefore, it has been classified as a Variant of Uncertain Significance.

Division of Human Genetics, Children's Hospital of Philadelphia
Classification: Uncertain significance for Sulfite oxidase deficiency due to molybdenum cofactor deficiency type C. Last evaluated: 2016-04-14. Review status: no assertion criteria provided. Collection method: research. Allele origin: maternal. Affected: yes. Study: CSER-PediSeq. Not counted in ClinVar's aggregate classification.

Literature cited by the submitters: PubMed 11095995 (cited by Division of Human Genetics, Children's Hospital of Philadelphia); PubMed 12754701 (cited by Division of Human Genetics, Children's Hospital of Philadelphia); PubMed 22040219 (cited by Division of Human Genetics, Children's Hospital of Philadelphia); PubMed 26613940 (cited by Division of Human Genetics, Children's Hospital of Philadelphia).

NM_020806.5(GPHN):c.1831G>A (p.Glu611Lys)

Gene: GPHN (gephyrin; plus strand). Cytogenetic location: 14q23.3.
Variant type: single nucleotide variant.
Coding change: c.1831G>A on transcript NM_020806.5 (MANE Select); coding-DNA position 1831, G replaced by A.
Protein change: p.Glu611Lys; replaces glutamic acid 611 with lysine.
Molecular consequence: missense variant.
Genome position (GRCh38, 1-based): chr14:67,143,444, G>A. VCF-style: chr14-67143444-G-A. GRCh37 (hg19) VCF-style: chr14-67610161-G-A.
Other names: c.1732G>A, p.Glu578Lys (NM_001024218.2); c.1891G>A, p.Glu631Lys (NM_001377514.1); c.1861G>A, p.Glu621Lys (NM_001377515.1); c.1852G>A, p.Glu618Lys (NM_001377516.1); c.1804G>A, p.Glu602Lys (NM_001377517.1); c.1789G>A, p.Glu597Lys (NM_001377518.1); c.1771G>A, p.Glu591Lys (NM_001377519.1); short protein forms E611K, E578K, E591K, E597K, E602K, E618K, E621K, E631K.
Identifiers: ClinVar variation 417881 (VCV000417881.7), dbSNP rs1060499577, ClinGen allele CA16616928.